The following is an entry in ClinVar:

NM_005515.4(MNX1):c.316A>G (p.Thr106Ala)

Gene: MNX1 (motor neuron and pancreas homeobox 1; minus strand). Cytogenetic location: 7q36.3.
Variant type: single nucleotide variant.
Coding change: c.316A>G on transcript NM_005515.4 (MANE Select); coding-DNA position 316, A replaced by G.
Protein change: p.Thr106Ala; replaces threonine 106 with alanine.
Molecular consequence: missense variant.
Genome position (GRCh38, 1-based): chr7:157,010,035, T>C on the plus strand (A>G on the coding strand, the complement: MNX1 is on the minus strand). VCF-style: chr7-157010035-T-C. GRCh37 (hg19) VCF-style: chr7-156802729-T-C.
Other names: c.316A>G (NM_005515.3); short protein forms T106A.
Identifiers: ClinVar variation 1389429 (VCV001389429.7), dbSNP rs1489794670, ClinGen allele CA370164809.
Genomic context (GRCh38, chr7:157,010,035, plus strand): 5'-CGGCAGCGGCCGCTGCGCCCGGATGCGCGTGGTGGTGGGGCCCCCCGTGCCCGCCGCCCG[T>C]GCCGCCGCCGCCGCCGCCCGCGCCCAGGAAGCCCGGCTTGGGCAGCAGCGCGCAGTGCGC-3'
Protein context (NP_005506.3, residues 96-116): FLGAGGGGGG[Thr106Ala]GGGHGGPHHH

ClinVar aggregate classification (germline): Uncertain significance. Review status: criteria provided, multiple submitters, no conflicts (2 of 4 stars). 2 submissions from 2 submitters: Uncertain significance (2). Last evaluated 2025-12-20.

Conditions:
Inborn genetic diseases. Identifiers: MedGen C0950123, MeSH D030342.

Allele frequency attached by ClinVar (database versions not stated): gnomAD 0.00001 and 0.00002; gnomAD exomes 0.00001.

Submissions (2):

Labcorp Genetics (formerly Invitae), Labcorp
Classification: Uncertain significance. Last evaluated: 2025-12-20. Review status: criteria provided, single submitter. Criteria: Invitae Variant Classification Sherloc (09022015). Collection method: clinical testing. Allele origin: germline.
Comment: This sequence change replaces threonine, which is neutral and polar, with alanine, which is neutral and non-polar, at codon 106 of the MNX1 protein (p.Thr106Ala). The frequency data for this variant in the population databases is considered unreliable, as metrics indicate insufficient coverage at this position in the gnomAD database. This variant has not been reported in the literature in individuals affected with MNX1-related conditions. ClinVar contains an entry for this variant (Variation ID: 1389429). An algorithm developed to predict the effect of missense changes on protein structure and function outputs the following: PolyPhen-2: "Not Available". The alanine amino acid residue is found in multiple mammalian species, which suggests that this missense change does not adversely affect protein function. In summary, the available evidence is currently insufficient to determine the role of this variant in disease. Therefore, it has been classified as a Variant of Uncertain Significance.

Ambry Genetics
Classification: Uncertain significance for Inborn genetic diseases. Last evaluated: 2025-01-24. Review status: criteria provided, single submitter. Criteria: Ambry Variant Classification Scheme 2023. Collection method: clinical testing. Allele origin: germline.